The following is an entry in ClinVar:

ClinVar aggregate classification (germline): Likely benign. Review status: criteria provided, multiple submitters, no conflicts (2 of 4 stars). 2 submissions from 2 submitters: Likely benign (2). Last evaluated 2025-06-26.

Allele frequency attached by ClinVar (database versions not stated): ExAC 0.00002; gnomAD 0.00005.
gnomAD v4.1: 72 of 1,614,148 alleles (0.0045%); highest among the groups gnomAD compares: African/African-American, 0.0093%; no homozygotes.

Submissions (2):

Mayo Clinic Laboratories, Mayo Clinic
Classification: Likely benign. Last evaluated: 2025-06-26. Review status: criteria provided, single submitter. Criteria: ACMG Guidelines, 2015. Collection method: clinical testing. Allele origin: germline. Observed: 1 variant allele.
Comment: BS2, BP4, BP7

Labcorp Genetics (formerly Invitae), Labcorp
Classification: Likely benign. Last evaluated: 2024-06-11. Review status: criteria provided, single submitter. Criteria: Invitae Variant Classification Sherloc (09022015). Collection method: clinical testing. Allele origin: germline.

NM_006086.4(TUBB3):c.414G>A (p.Ser138=)

Gene: TUBB3 (tubulin beta 3 class III; plus strand). Cytogenetic location: 16q24.3.
Variant type: single nucleotide variant.
Coding change: c.414G>A on transcript NM_006086.4 (MANE Select); coding-DNA position 414, G replaced by A.
Protein change: p.Ser138=; no amino-acid change (serine 138 retained).
Molecular consequence: synonymous variant.
Genome position (GRCh38, 1-based): chr16:89,934,865, G>A. VCF-style: chr16-89934865-G-A. GRCh37 (hg19) VCF-style: chr16-90001273-G-A.
Other names: p.Ser138=; c.198G>A, p.Ser66= (NM_001197181.2).
Identifiers: ClinVar variation 1908576 (VCV001908576.6), dbSNP rs113548504, ClinGen allele CA8256105.